The following is an entry in ClinVar:

NM_000419.5(ITGA2B):c.1105C>G (p.His369Asp)

Gene: ITGA2B (integrin subunit alpha 2b; minus strand). Cytogenetic location: 17q21.31.
Variant type: single nucleotide variant.
Coding change: c.1105C>G on transcript NM_000419.5 (MANE Select); coding-DNA position 1105, C replaced by G.
Protein change: p.His369Asp; replaces histidine 369 with aspartic acid.
Molecular consequence: missense variant.
Genome position (GRCh38, 1-based): chr17:44,383,598, G>C on the plus strand (C>G on the coding strand, the complement: ITGA2B is on the minus strand). VCF-style: chr17-44383598-G-C. GRCh37 (hg19) VCF-style: chr17-42460966-G-C.
Other names: short protein forms H369D.
Identifiers: ClinVar variation 2515858 (VCV002515858.7), dbSNP rs374323511, ClinGen allele CA8603223.

ClinVar aggregate classification (germline): Uncertain significance. Review status: criteria provided, multiple submitters, no conflicts (2 of 4 stars). 3 submissions from 3 submitters: Uncertain significance (3). Last evaluated 2025-11-02.

Conditions:
Inborn genetic diseases. Identifiers: MedGen C0950123, MeSH D030342.
Glanzmann thrombasthenia. Also called: Thrombasthenia; THROMBASTHENIA OF GLANZMANN AND NAEGELI; Glanzmann's thrombasthenia; PLATELET GLYCOPROTEIN IIb-IIIa DEFICIENCY. Identifiers: Orphanet 849, MedGen C0040015, MONDO:0100326.

Allele frequency attached by ClinVar (database versions not stated): gnomAD 0.00001; TOPMed 0.00002; ExAC 0.00003; ESP Exome Variant Server 0.00008.

Submissions (3):

Ambry Genetics
Classification: Uncertain significance for Inborn genetic diseases. Last evaluated: 2025-11-02. Review status: criteria provided, single submitter. Criteria: Ambry Variant Classification Scheme 2023. Collection method: clinical testing. Allele origin: germline.

Blueprint Genetics
Classification: Uncertain significance. Last evaluated: 2024-09-25. Review status: criteria provided, single submitter. Criteria: ACMG Guidelines, 2015. Collection method: clinical testing. Allele origin: germline.

Labcorp Genetics (formerly Invitae), Labcorp
Classification: Uncertain significance for Glanzmann thrombasthenia. Last evaluated: 2024-04-05. Review status: criteria provided, single submitter. Criteria: Invitae Variant Classification Sherloc (09022015). Collection method: clinical testing. Allele origin: germline.
Comment: This sequence change replaces histidine, which is basic and polar, with aspartic acid, which is acidic and polar, at codon 369 of the ITGA2B protein (p.His369Asp). This variant is present in population databases (rs374323511, gnomAD 0.006%). This variant has not been reported in the literature in individuals affected with ITGA2B-related conditions. ClinVar contains an entry for this variant (Variation ID: 2515858). Advanced modeling of protein sequence and biophysical properties (such as structural, functional, and spatial information, amino acid conservation, physicochemical variation, residue mobility, and thermodynamic stability) performed at Invitae indicates that this missense variant is not expected to disrupt ITGA2B protein function with a negative predictive value of 80%. In summary, the available evidence is currently insufficient to determine the role of this variant in disease. Therefore, it has been classified as a Variant of Uncertain Significance.